The following is an entry in ClinVar:

NM_020719.3(PRR12):c.87-1G>T

Gene: PRR12 (proline rich 12; plus strand). Cytogenetic location: 19q13.33.
Variant type: single nucleotide variant.
Coding change: c.87-1G>T on transcript NM_020719.3 (MANE Select); the canonical splice acceptor site of the intron before coding-DNA position 87, G replaced by T.
Molecular consequence: splice acceptor variant.
Genome position (GRCh38, 1-based): chr19:49,593,326, G>T. VCF-style: chr19-49593326-G-T. GRCh37 (hg19) VCF-style: chr19-50096583-G-T.
Identifiers: ClinVar variation 3389028 (VCV003389028.14).

ClinVar aggregate classification (germline): Pathogenic (1 of 4 stars; one submission).

Submission:

CeGaT Center for Human Genetics Tuebingen
Classification: Pathogenic. Last evaluated: 2024-11-01. Review status: criteria provided, single submitter. Criteria: CeGaT Center For Human Genetics Tuebingen Variant Classification Criteria Version 2. Collection method: clinical testing. Allele origin: germline. Affected: yes. Observed: 1 variant allele.
Comment: PRR12: PVS1, PM2